The following is an entry in ClinVar:

NC_000023.11:g.(?_32461199)_(32844870_?)del

Gene: DMD (dystrophin; minus strand). Cytogenetic location: Xp21.1.
Variant type: Deletion.
Identifiers: ClinVar variation 832786 (VCV000832786.7).

ClinVar aggregate classification (germline): Pathogenic (1 of 4 stars; one submission).

Conditions:
Duchenne muscular dystrophy (DMD). Also called: Duchenne Muscular Dystrophy (DMD); MUSCULAR DYSTROPHY, PSEUDOHYPERTROPHIC PROGRESSIVE, DUCHENNE TYPE. Identifiers: Orphanet 98896, MedGen C0013264, MONDO:0010679, OMIM 310200.

Submission:

Labcorp Genetics (formerly Invitae), Labcorp
Classification: Pathogenic for Duchenne muscular dystrophy. Last evaluated: 2022-06-04. Review status: criteria provided, single submitter. Criteria: Invitae Variant Classification Sherloc (09022015). Collection method: clinical testing. Allele origin: germline.
Comment: For these reasons, this variant has been classified as Pathogenic. This variant disrupts a region of the DMD protein in which other variant(s) (Exon 23-25 Deletion) have been determined to be pathogenic (Invitae). This suggests that this is a clinically significant region of the protein, and that variants that disrupt it are likely to be disease-causing. This variant has not been reported in the literature in individuals affected with DMD-related conditions. This variant is a gross deletion of the genomic region encompassing exon(s) 4-25 of the DMD gene. This variant would be expected to be in-frame, preserving the integrity of the reading frame.